The following is an entry in ClinVar:

ClinVar aggregate classification (germline): Likely benign. Review status: criteria provided, single submitter (1 of 4 stars). 2 submissions from 2 submitters: Likely benign (1). 1 of the submissions does not count toward it. Last evaluated 2024-03-16.

Conditions:
RAI1-related disorder. Also called: RAI1-related condition.

gnomAD v4.1: 25 of 1,613,556 alleles (0.0015%); highest among the groups gnomAD compares: Non-Finnish European, 0.0021%; no homozygotes.

Submissions (2):

Labcorp Genetics (formerly Invitae), Labcorp
Classification: Likely benign. Last evaluated: 2024-03-16. Review status: criteria provided, single submitter. Criteria: Invitae Variant Classification Sherloc (09022015). Collection method: clinical testing. Allele origin: germline.

PreventionGenetics, part of Exact Sciences
Classification: Likely benign for RAI1-related condition. Last evaluated: 2024-07-24. Review status: no assertion criteria provided. Collection method: clinical testing. Allele origin: germline. Not counted in ClinVar's aggregate classification.
Comment: This variant is classified as likely benign based on ACMG/AMP sequence variant interpretation guidelines (Richards et al. 2015 PMID: 25741868, with internal and published modifications).

NM_030665.4(RAI1):c.654C>A (p.Thr218=)

Gene: RAI1 (retinoic acid induced 1; plus strand). Cytogenetic location: 17p11.2.
Variant type: single nucleotide variant.
Coding change: c.654C>A on transcript NM_030665.4 (MANE Select); coding-DNA position 654, C replaced by A.
Protein change: p.Thr218=; no amino-acid change (threonine 218 retained).
Molecular consequence: synonymous variant.
Genome position (GRCh38, 1-based): chr17:17,793,602, C>A. VCF-style: chr17-17793602-C-A. GRCh37 (hg19) VCF-style: chr17-17696916-C-A.
Identifiers: ClinVar variation 3350237 (VCV003350237.3).